The following is an entry in ClinVar:

NM_017654.4(SAMD9):c.4595G>T (p.Gly1532Val)

Gene: SAMD9 (sterile alpha motif domain containing 9; minus strand). Cytogenetic location: 7q21.2.
Variant type: single nucleotide variant.
Coding change: c.4595G>T on transcript NM_017654.4 (MANE Select); coding-DNA position 4595, G replaced by T.
Protein change: p.Gly1532Val; replaces glycine 1532 with valine.
Molecular consequence: missense variant.
Genome position (GRCh38, 1-based): chr7:93,101,503, C>A on the plus strand (G>T on the coding strand, the complement: SAMD9 is on the minus strand). VCF-style: chr7-93101503-C-A. GRCh37 (hg19) VCF-style: chr7-92730816-C-A.
Other names: c.4595G>T, p.Gly1532Val (NM_001193307.2); short protein forms G1532V.
Identifiers: ClinVar variation 3792015 (VCV003792015.1).

ClinVar aggregate classification (germline): Uncertain significance (1 of 4 stars; one submission).

Conditions:
Inborn genetic diseases. Identifiers: MedGen C0950123, MeSH D030342.

Submission:

Ambry Genetics
Classification: Uncertain significance for Inborn genetic diseases. Last evaluated: 2025-01-20. Review status: criteria provided, single submitter. Criteria: Ambry Variant Classification Scheme 2023. Collection method: clinical testing. Allele origin: germline.
Comment: The p.G1532V variant (also known as c.4595G>T), located in coding exon 1 of the SAMD9 gene, results from a G to T substitution at nucleotide position 4595. The glycine at codon 1532 is replaced by valine, an amino acid with dissimilar properties. This amino acid position is conserved. In addition, the in silico prediction for this alteration is inconclusive. Based on the available evidence, the clinical significance of this variant remains unclear.